The following is an entry in ClinVar:

ClinVar aggregate classification (germline): Uncertain significance (1 of 4 stars; one submission).

Submission:

GeneDx
Classification: Uncertain significance. Last evaluated: 2017-06-16. Review status: criteria provided, single submitter. Criteria: GeneDx Variant Classification (06012015). Collection method: clinical testing. Allele origin: germline. Affected: yes.
Comment: A variant of uncertain significance has been identified in the FBN1 gene. The c.6346_6347delGGinsTT variant has not been published as pathogenic or been reported as benign to our knowledge. This variant is not observed in large population cohorts (Lek et al., 2016; 1000 Genomes Consortium et al., 2015; Exome Variant Server). The c.6346_6347delGGinsTT variant replaces two nucleotides with two incorrect nucleotides and does not result in a shift in reading frame. This variant results in the protein substitution G2116L, which is a semi-conservative amino acid substitution, that may impact secondary protein structure as these residues differ in some properties. Furthermore, this substitution occurs at a position that is conserved across species and in silico analysis predicts this variant is probably damaging to the protein structure/function. However, the c.6346_6347delGGinsTT variant does not affect a Cysteine residue within a calcium-binding EGF-like domain of the FBN1 gene. Cysteine substitutions in the calcium-binding EGF-like domains represent the majority of pathogenic missense changes associated with Marfan syndrome (Collod-Beroud et al., 2003).Therefore, based on the currently available information, it is unclear whether this variant is pathogenic or rare benign. This result cannot be interpreted for diagnosis or used for family member screening at this time.

NM_000138.5(FBN1):c.6346_6347delinsTT (p.Gly2116Leu)

Gene: FBN1 (fibrillin 1; minus strand). Cytogenetic location: 15q21.1.
Variant type: Indel.
Coding change: c.6346_6347delinsTT on transcript NM_000138.5 (MANE Select); coding-DNA positions 6346 to 6347, GG replaced by TT.
Protein change: p.Gly2116Leu; replaces glycine 2116 with leucine.
Molecular consequence: missense variant.
Genome position (GRCh38, 1-based): chr15:48,437,354-48,437,355, CC replaced by AA on the plus strand (GG replaced by TT on the coding strand, the reverse complement: FBN1 is on the minus strand). VCF-style: chr15-48437354-CC-AA. GRCh37 (hg19) VCF-style: chr15-48729551-CC-AA.
Other names: c.6346_6347delGGinsTT (NM_000138.4); short protein forms G2116L.
Identifiers: ClinVar variation 432905 (VCV000432905.1), dbSNP rs1555395227, ClinGen allele CA645373005.